The following is an entry in ClinVar:

ClinVar aggregate classification (germline): Uncertain significance (1 of 4 stars; one submission).

Allele frequency attached by ClinVar (database versions not stated): gnomAD 0.00001; ExAC 0.00002; gnomAD exomes 0.00002; TOPMed 0.00002.
gnomAD v4.1: 24 of 1,613,418 alleles (0.0015%); highest among the groups gnomAD compares: South Asian, 0.0022%; no homozygotes.

Submission:

GeneDx
Classification: Uncertain significance. Last evaluated: 2022-12-05. Review status: criteria provided, single submitter. Criteria: GeneDx Variant Classification Process June 2021. Collection method: clinical testing. Allele origin: germline. Affected: yes.
Comment: Not observed at significant frequency in large population cohorts (gnomAD); In silico analysis supports that this missense variant has a deleterious effect on protein structure/function; Has not been previously published as pathogenic or benign to our knowledge

NM_001136193.2(FASTKD2):c.1697C>T (p.Pro566Leu)

Gene: FASTKD2 (FAST kinase domains 2; plus strand). Cytogenetic location: 2q33.3.
Variant type: single nucleotide variant.
Coding change: c.1697C>T on transcript NM_001136193.2 (MANE Select); coding-DNA position 1697, C replaced by T.
Protein change: p.Pro566Leu; replaces proline 566 with leucine.
Molecular consequence: missense variant.
Genome position (GRCh38, 1-based): chr2:206,788,039, C>T. VCF-style: chr2-206788039-C-T. GRCh37 (hg19) VCF-style: chr2-207652763-C-T.
Other names: c.1697C>T, p.Pro566Leu (NM_001136194.2, NM_014929.4); short protein forms P566L.
Identifiers: ClinVar variation 2504453 (VCV002504453.1), dbSNP rs748417026, ClinGen allele CA2075239.